The following is an entry in ClinVar:

NM_001089.3(ABCA3):c.4547G>A (p.Ser1516Asn)

Gene: ABCA3 (ATP binding cassette subfamily A member 3; minus strand). Cytogenetic location: 16p13.3.
Variant type: single nucleotide variant.
Coding change: c.4547G>A on transcript NM_001089.3 (MANE Select); coding-DNA position 4547, G replaced by A.
Protein change: p.Ser1516Asn; replaces serine 1516 with asparagine.
Molecular consequence: missense variant.
Genome position (GRCh38, 1-based): chr16:2,278,943, C>T on the plus strand (G>A on the coding strand, the complement: ABCA3 is on the minus strand). VCF-style: chr16-2278943-C-T. GRCh37 (hg19) VCF-style: chr16-2328944-C-T.
Other names: short protein forms S1516N.
Identifiers: ClinVar variation 1741389 (VCV001741389.3), dbSNP rs2505613393, ClinGen allele CA394306419.

ClinVar aggregate classification (germline): Uncertain significance (1 of 4 stars; one submission).

Conditions:
Hereditary pulmonary alveolar proteinosis. Also called: Pulmonary surfactant metabolism dysfunction. Identifiers: Orphanet 264675, MedGen C3711368, MONDO:0012580.

Allele frequency attached by ClinVar (database versions not stated): gnomAD exomes below 0.00001.
gnomAD v4.1: 2 of 1,613,556 alleles (0.00012%); highest among the groups gnomAD compares: Non-Finnish European, 0.00017%; no homozygotes.

Submission:

Ambry Genetics
Classification: Uncertain significance for Hereditary pulmonary alveolar proteinosis. Last evaluated: 2026-07-16. Review status: criteria provided, single submitter. Criteria: Ambry Variant Classification Scheme 2023. Collection method: clinical testing. Allele origin: germline.
Comment: The c.4547G>A variant (also known as p.S1516N), located in coding exon 26 of the ABCA3 gene, results from a G to A substitution at nucleotide position 4547. The amino acid change results in serine to asparagine at codon 1516, an amino acid with highly similar properties. However, this change occurs in the last base pair of coding exon 26, which makes it likely to have some effect on normal mRNA splicing. This nucleotide position is highly conserved in available vertebrate species. This amino acid position is highly conserved in available vertebrate species. In silico splice site analysis predicts that this alteration will weaken the native splice donor site and may result in the creation or strengthening of a novel splice donor site. In addition, as a missense substitution this alteration is predicted to be deleterious by in silico analysis. Based on the available evidence, the clinical significance of this variant remains unclear. (Wambach JA et al. Pediatrics, 2012 Dec;130:e1575-82).

Literature cited by the submitters: PubMed 23166334.